The following is an entry in ClinVar:

ClinVar aggregate classification (germline): Uncertain significance (1 of 4 stars; one submission).

Submission:

Labcorp Genetics (formerly Invitae), Labcorp
Classification: Uncertain significance. Last evaluated: 2026-01-11. Review status: criteria provided, single submitter. Criteria: Invitae Variant Classification Sherloc (09022015). Collection method: clinical testing. Allele origin: germline.
Comment: This sequence change replaces threonine, which is neutral and polar, with alanine, which is neutral and non-polar, at codon 104 of the NCSTN protein (p.Thr104Ala). This variant is not present in population databases (gnomAD no frequency). This variant has not been reported in the literature in individuals affected with NCSTN-related conditions. Invitae Evidence Modeling of protein sequence and biophysical properties (such as structural, functional, and spatial information, amino acid conservation, physicochemical variation, residue mobility, and thermodynamic stability) has been performed for this missense variant. However, the output from this modeling did not meet the statistical confidence thresholds required to predict the impact of this variant on NCSTN protein function. In summary, the available evidence is currently insufficient to determine the role of this variant in disease. Therefore, it has been classified as a Variant of Uncertain Significance.

NM_015331.3(NCSTN):c.310A>G (p.Thr104Ala)

Gene: NCSTN (nicastrin; plus strand). Cytogenetic location: 1q23.2.
Variant type: single nucleotide variant.
Coding change: c.310A>G on transcript NM_015331.3 (MANE Select); coding-DNA position 310, A replaced by G.
Protein change: p.Thr104Ala; replaces threonine 104 with alanine.
Molecular consequence: missense variant.
Genome position (GRCh38, 1-based): chr1:160,349,118, A>G. VCF-style: chr1-160349118-A-G. GRCh37 (hg19) VCF-style: chr1-160318908-A-G.
Other names: c.250A>G, p.Thr84Ala (NM_001290184.2); c.310A>G, p.Thr104Ala (NM_001290186.2, NM_001349729.2); short protein forms T104A, T84A.
Identifiers: ClinVar variation 4770659 (VCV004770659.1).
Genomic context (GRCh38, chr1:160,349,118, plus strand): 5'-TGGGTATTGACTGATGGCCCCAACCCCCCTTACATGGTTCTGCTGGAGAGCAAGCATTTT[A>G]CCAGGTAAGAACTAGATGTATCTGCTGGGAAAACATCCATAGAGGGAAAGTTTCAGTGAA-3'
Protein context (NP_056146.1, residues 94-114): YMVLLESKHF[Thr104Ala]RDLMEKLKGR